The following is an entry in ClinVar:

ClinVar aggregate classification (germline): Uncertain significance (1 of 4 stars; one submission).

Conditions:
Hereditary sensory and autonomic neuropathy type 6. Also called: Neuropathy, hereditary sensory and autonomic, type VI; HSAN VI. Identifiers: Orphanet 314381, MedGen C3539003, MONDO:0013839, OMIM 614653.
Epidermolysis bullosa simplex 3, localized or generalized intermediate, with BP230 deficiency (EBS3). Also called: Epidermolysis bullosa simplex, autosomal recessive 2; Epidermolysis bullosa simplex due to BP230 deficiency. Identifiers: Orphanet 412181, MedGen C3809470, MONDO:0014180, OMIM 615425.

gnomAD v4.1: 3 of 1,613,988 alleles (0.00019%); highest among the groups gnomAD compares: Non-Finnish European, 0.00025%; no homozygotes.

Submission:

Labcorp Genetics (formerly Invitae), Labcorp
Classification: Uncertain significance for Epidermolysis bullosa simplex 3, localized or generalized intermediate, with BP230 deficiency; Hereditary sensory and autonomic neuropathy type 6. Last evaluated: 2022-06-27. Review status: criteria provided, single submitter. Criteria: Invitae Variant Classification Sherloc (09022015). Collection method: clinical testing. Allele origin: germline.
Comment: In summary, the available evidence is currently insufficient to determine the role of this variant in disease. Therefore, it has been classified as a Variant of Uncertain Significance. Algorithms developed to predict the effect of missense changes on protein structure and function are either unavailable or do not agree on the potential impact of this missense change (SIFT: "Deleterious"; PolyPhen-2: "Benign"; Align-GVGD: "Class C0"). This variant has not been reported in the literature in individuals affected with DST-related conditions. This variant is present in population databases (no rsID available, gnomAD 0.0009%). This sequence change replaces valine, which is neutral and non-polar, with leucine, which is neutral and non-polar, at codon 1660 of the DST protein (p.Val1660Leu).

NM_001723.7(DST):c.4978G>C (p.Val1660Leu)

Gene: DST (dystonin; minus strand). Cytogenetic location: 6p12.1.
Variant type: single nucleotide variant.
Coding change: c.4978G>C on transcript NM_001723.7 (MANE Plus Clinical); coding-DNA position 4978, G replaced by C.
Protein change: p.Val1660Leu; replaces valine 1660 with leucine.
Molecular consequence: missense variant. On other transcripts: intron variant (10).
Genome position (GRCh38, 1-based): chr6:56,619,056, C>G on the plus strand (G>C on the coding strand, the complement: DST is on the minus strand). VCF-style: chr6-56619056-C-G. GRCh37 (hg19) VCF-style: chr6-56483854-C-G.
Other names: c.4831-4572G>C (NM_001144769.5); c.4930-4572G>C (NM_001374722.1, NM_001374736.1); c.4957-4572G>C (NM_001374734.1); c.4417-4572G>C (NM_001144770.2); c.4297-4572G>C (NM_001374730.1, NM_001386100.1, NM_183380.4 and 1 more transcripts); c.3319-4572G>C (NM_015548.5); short protein forms V1660L.
Identifiers: ClinVar variation 1409589 (VCV001409589.6), dbSNP rs534044028, ClinGen allele CA364568428.